The following is an entry in ClinVar:

ClinVar aggregate classification (germline): Benign/Likely benign. Review status: criteria provided, multiple submitters, no conflicts (2 of 4 stars). 3 submissions from 3 submitters: Benign (1); Likely benign (2). Last evaluated 2025-02-06.

Conditions:
Hereditary cancer-predisposing syndrome. Also called: Hereditary Cancer Syndrome; Hereditary neoplastic syndrome; Neoplastic Syndromes, Hereditary; Tumor predisposition. Identifiers: Orphanet 140162, MedGen C0027672, MeSH D009386, MONDO:0015356.
POLD1-related polyposis and colorectal cancer syndrome (CRCS10). Also called: Colorectal cancer 10; COLORECTAL CANCER, SUSCEPTIBILITY TO, ON CHROMOSOME 19q; Colorectal cancer, susceptibility to, 10. Identifiers: Orphanet 220460, MedGen C2675481, MONDO:0012953, OMIM 612591.

Submissions (3):

Myriad Genetics, Inc.
Classification: Benign for POLD1-related polyposis and colorectal cancer syndrome. Last evaluated: 2025-02-06. Review status: criteria provided, single submitter. Criteria: Myriad Autosomal Dominant, Autosomal Recessive and X-Linked Classification Criteria (2023). Collection method: clinical testing. Allele origin: unknown.
Comment: This variant is considered benign. This variant is a silent/synonymous amino acid change and it is not expected to impact splicing.

Ambry Genetics
Classification: Likely benign for Hereditary cancer-predisposing syndrome. Last evaluated: 2021-07-17. Review status: criteria provided, single submitter. Criteria: Ambry Variant Classification Scheme 2023. Collection method: clinical testing. Allele origin: germline.

Labcorp Genetics (formerly Invitae), Labcorp
Classification: Likely benign for POLD1-related polyposis and colorectal cancer syndrome. Last evaluated: 2021-05-19. Review status: criteria provided, single submitter. Criteria: Invitae Variant Classification Sherloc (09022015). Collection method: clinical testing. Allele origin: germline.

NM_002691.4(POLD1):c.1410C>T (p.Arg470=)

Gene: POLD1 (DNA polymerase delta 1, catalytic subunit; plus strand). Cytogenetic location: 19q13.33.
Variant type: single nucleotide variant.
Coding change: c.1410C>T on transcript NM_002691.4 (MANE Select); coding-DNA position 1410, C replaced by T.
Protein change: p.Arg470=; no amino-acid change (arginine 470 retained).
Molecular consequence: synonymous variant. On other transcripts: non-coding transcript variant (1).
Genome position (GRCh38, 1-based): chr19:50,406,433, C>T. VCF-style: chr19-50406433-C-T. GRCh37 (hg19) VCF-style: chr19-50909690-C-T.
Other names: c.1410C>T, p.Arg470= (NM_001256849.1, NM_001308632.1).
Identifiers: ClinVar variation 1628146 (VCV001628146.11), dbSNP rs2122326571, ClinGen allele CA508304863.